The following is an entry in ClinVar:

ClinVar aggregate classification (germline): Benign (1 of 4 stars; one submission).

Conditions:
Ehlers-Danlos syndrome, dermatosparaxis type. Also called: EDS VIIC; Dermatosparaxis; Ehlers-Danlos syndrome, type VII, autosomal recessive. Identifiers: Orphanet 1901, MedGen C2700425, MONDO:0009161, OMIM 225410.

Allele frequency attached by ClinVar (database versions not stated): gnomAD 0.00836 and 0.00902; 1000 Genomes Project 0.00938; TOPMed 0.00972; 1000 Genomes Project 30x 0.01062.

Submission:

Illumina Laboratory Services, Illumina
Classification: Benign for Ehlers-Danlos syndrome, dermatosparaxis type. Last evaluated: 2018-01-12. Review status: criteria provided, single submitter. Criteria: ICSL Variant Classification Criteria 13 December 2019. Collection method: clinical testing. Allele origin: germline.
Comment: This variant was observed in the ICSL laboratory as part of a predisposition screen in an ostensibly healthy population. It had not been previously curated by ICSL or reported in the Human Gene Mutation Database (HGMD: prior to June 1st, 2018), and was therefore a candidate for classification through an automated scoring system. Utilizing variant allele frequency, disease prevalence and penetrance estimates, and inheritance mode, an automated score was calculated to assess if this variant is too frequent to cause the disease. Based on the score and internal cut-off values, a variant classified as benign is not then subjected to further curation. The score for this variant resulted in a classification of benign for this disease.

NM_014244.5(ADAMTS2):c.*2301C>T

Gene: ADAMTS2 (ADAM metallopeptidase with thrombospondin type 1 motif 2; minus strand). Cytogenetic location: 5q35.3.
Variant type: single nucleotide variant.
Coding change: c.*2301C>T on transcript NM_014244.5 (MANE Select); 2301 bases downstream of the stop codon, C replaced by T.
Molecular consequence: 3 prime UTR variant.
Genome position (GRCh38, 1-based): chr5:179,111,566, G>A on the plus strand (C>T on the coding strand, the complement: ADAMTS2 is on the minus strand). VCF-style: chr5-179111566-G-A. GRCh37 (hg19) VCF-style: chr5-178538567-G-A.
Identifiers: ClinVar variation 353049 (VCV000353049.5), dbSNP rs115104288, ClinGen allele CA10624339.